The following is an entry in ClinVar:

NM_021146.4(ANGPTL7):c.405C>T (p.Tyr135=)

Genes: ANGPTL7 (angiopoietin like 7; plus strand), MTOR (mechanistic target of rapamycin kinase; minus strand). Cytogenetic location: 1p36.22.
Variant type: single nucleotide variant.
Coding change: c.405C>T on transcript NM_021146.4 (MANE Select); coding-DNA position 405, C replaced by T.
Protein change: p.Tyr135=; no amino-acid change (tyrosine 135 retained).
Molecular consequence: synonymous variant. On other transcripts: intron variant (3).
Genome position (GRCh38, 1-based): chr1:11,192,298, C>T. VCF-style: chr1-11192298-C-T. GRCh37 (hg19) VCF-style: chr1-11252355-C-T.
Other names: c.3005+6960G>A (NM_001386501.1); c.4253+6960G>A (NM_004958.4, NM_001386500.1).
Identifiers: ClinVar variation 4822027 (VCV004822027.4).
Genomic context (GRCh38, chr1:11,192,298, plus strand): 5'-AAATGCTCACCCTGTGGTTTGTTCTCTTGTAGATGCCATCTACGACTGCTCTTCCCTCTA[C>T]CAGAAGAACTACCGCATCTCTGGAGTGTATAAGCTTCCTCCTGATGACTTCCTGGGCAGC-3'
Protein context (NP_066969.1, residues 125-145): ADAIYDCSSL[Tyr135=]QKNYRISGVY

ClinVar aggregate classification (germline): Likely benign (1 of 4 stars; one submission).

gnomAD v4.1: 33 of 1,614,008 alleles (0.002%); highest among the groups gnomAD compares: East Asian, 0.074%; no homozygotes.

Submission:

CeGaT Center for Human Genetics Tuebingen
Classification: Likely benign. Last evaluated: 2026-01-01. Review status: criteria provided, single submitter. Criteria: CeGaT Center For Human Genetics Tuebingen Variant Classification Criteria Version 2. Collection method: clinical testing. Allele origin: germline. Affected: yes. Observed: 1 variant allele.
Comment: ANGPTL7: BP4, BP7